The following is an entry in ClinVar:

ClinVar aggregate classification (germline): Likely benign (1 of 4 stars; one submission).

Submission:

CeGaT Center for Human Genetics Tuebingen
Classification: Likely benign. Last evaluated: 2023-01-01. Review status: criteria provided, single submitter. Criteria: CeGaT Center For Human Genetics Tuebingen Variant Classification Criteria Version 2. Collection method: clinical testing. Allele origin: germline. Affected: yes. Observed: 1 variant allele.
Comment: KIT: PM2:Supporting, BP4, BP7

NM_000222.3(KIT):c.2418A>C (p.Thr806=)

Gene: KIT (KIT proto-oncogene, receptor tyrosine kinase; plus strand). Cytogenetic location: 4q12.
Variant type: single nucleotide variant.
Coding change: c.2418A>C on transcript NM_000222.3 (MANE Select); coding-DNA position 2418, A replaced by C.
Protein change: p.Thr806=; no amino-acid change (threonine 806 retained).
Molecular consequence: synonymous variant.
Genome position (GRCh38, 1-based): chr4:54,733,126, A>C. VCF-style: chr4-54733126-A-C. GRCh37 (hg19) VCF-style: chr4-55599292-A-C.
Other names: c.2406A>C, p.Thr802= (NM_001093772.2, NM_001385292.1); c.2421A>C, p.Thr807= (NM_001385284.1); c.2415A>C, p.Thr805= (NM_001385285.1); c.2403A>C, p.Thr801= (NM_001385286.1); c.2409A>C, p.Thr803= (NM_001385288.1); c.2418A>C, p.Thr806= (NM_001385290.1).
Identifiers: ClinVar variation 2654760 (VCV002654760.24), dbSNP rs2109801485, ClinGen allele CA439291857.